The following is an entry in ClinVar:

NM_001256545.2(MEGF10):c.1552C>T (p.Pro518Ser)

Gene: MEGF10 (multiple EGF like domains 10; plus strand). Cytogenetic location: 5q23.2.
Variant type: single nucleotide variant.
Coding change: c.1552C>T on transcript NM_001256545.2 (MANE Select); coding-DNA position 1552, C replaced by T.
Protein change: p.Pro518Ser; replaces proline 518 with serine.
Molecular consequence: missense variant.
Genome position (GRCh38, 1-based): chr5:127,420,169, C>T. VCF-style: chr5-127420169-C-T. GRCh37 (hg19) VCF-style: chr5-126755861-C-T.
Other names: c.1552C>T, p.Pro518Ser (NM_001308119.2, NM_001308121.2, NM_032446.3); c.1552C>T (NM_032446.2); short protein forms P518S.
Identifiers: ClinVar variation 1959081 (VCV001959081.3), dbSNP rs375925916, ClinGen allele CA3391607.

ClinVar aggregate classification (germline): Uncertain significance. Review status: criteria provided, multiple submitters, no conflicts (2 of 4 stars). 2 submissions from 2 submitters: Uncertain significance (2). Last evaluated 2025-05-14.

Conditions:
Inborn genetic diseases. Identifiers: MedGen C0950123, MeSH D030342.
MEGF10-related myopathy (CMYO10A). Also called: Congenital myopathy 10A, severe variant. Identifiers: Orphanet 439212, MedGen C3280679, MONDO:0013731, OMIM 614399.

Allele frequency attached by ClinVar (database versions not stated): ExAC 0.00001; gnomAD exomes 0.00001; gnomAD 0.00005; ESP Exome Variant Server 0.00008; TOPMed 0.00009.

Submissions (2):

Ambry Genetics
Classification: Uncertain significance for Inborn genetic diseases. Last evaluated: 2025-05-14. Review status: criteria provided, single submitter. Criteria: Ambry Variant Classification Scheme 2023. Collection method: clinical testing. Allele origin: germline.

Labcorp Genetics (formerly Invitae), Labcorp
Classification: Uncertain significance for MEGF10-related myopathy. Last evaluated: 2022-05-16. Review status: criteria provided, single submitter. Criteria: Invitae Variant Classification Sherloc (09022015). Collection method: clinical testing. Allele origin: germline.
Comment: This sequence change replaces proline, which is neutral and non-polar, with serine, which is neutral and polar, at codon 518 of the MEGF10 protein (p.Pro518Ser). This variant is present in population databases (rs375925916, gnomAD 0.02%). This variant has not been reported in the literature in individuals affected with MEGF10-related conditions. Algorithms developed to predict the effect of missense changes on protein structure and function are either unavailable or do not agree on the potential impact of this missense change (SIFT: "Deleterious"; PolyPhen-2: "Benign"; Align-GVGD: "Class C65"). In summary, the available evidence is currently insufficient to determine the role of this variant in disease. Therefore, it has been classified as a Variant of Uncertain Significance.